The following is an entry in ClinVar:

NM_006312.6(NCOR2):c.390G>C (p.Ala130=)

Gene: NCOR2 (nuclear receptor corepressor 2; minus strand). Cytogenetic location: 12q24.31.
Variant type: single nucleotide variant.
Coding change: c.390G>C on transcript NM_006312.6 (MANE Select); coding-DNA position 390, G replaced by C.
Protein change: p.Ala130=; no amino-acid change (alanine 130 retained).
Molecular consequence: synonymous variant.
Genome position (GRCh38, 1-based): chr12:124,483,617, C>G on the plus strand (G>C on the coding strand, the complement: NCOR2 is on the minus strand). VCF-style: chr12-124483617-C-G. GRCh37 (hg19) VCF-style: chr12-124968163-C-G.
Other names: c.390G>C, p.Ala130= (NM_001077261.4, NM_001206654.2).
Identifiers: ClinVar variation 3052008 (VCV003052008.2), dbSNP rs577563958, ClinGen allele CA6869948.
Genomic context (GRCh38, chr12:124,483,617, plus strand): 5'-AAGCGGGAGAGGAGCTCCCAGCTGGGGGCCCAGGCTTACCTTGGTGAGGTCTTCAGATCC[C>G]GCAGGCTGGCCCGTGGCCAGCAGGGGTGACGGTCGCAGCAGGGGGTCAGGCAGCAGCTCT-3'
Protein context (NP_006303.4, residues 120-140): PSPLLATGQP[Ala130=]GSEDLTKDRS

ClinVar aggregate classification (germline): Likely benign (0 of 4 stars; one submission).

Conditions:
NCOR2-related disorder. Also called: NCOR2-related condition.

Allele frequency attached by ClinVar (database versions not stated): 1000 Genomes Project 0.00040; 1000 Genomes Project 30x 0.00047.
gnomAD v4.1: 196 of 1,606,378 alleles (0.012%); highest among the groups gnomAD compares: African/African-American, 0.24%; 1 homozygote.

Submission:

PreventionGenetics, part of Exact Sciences
Classification: Likely benign for NCOR2-related condition. Last evaluated: 2019-02-18. Review status: no assertion criteria provided. Collection method: clinical testing. Allele origin: germline.
Comment: This variant is classified as likely benign based on ACMG/AMP sequence variant interpretation guidelines (Richards et al. 2015 PMID: 25741868, with internal and published modifications).